The following is an entry in ClinVar:

NM_001001671.4(MAP3K15):c.1926C>T (p.Thr642=)

Gene: MAP3K15 (mitogen-activated protein kinase kinase kinase 15; minus strand). Cytogenetic location: Xp22.12.
Variant type: single nucleotide variant.
Coding change: c.1926C>T on transcript NM_001001671.4 (MANE Select); coding-DNA position 1926, C replaced by T.
Protein change: p.Thr642=; no amino-acid change (threonine 642 retained).
Molecular consequence: synonymous variant.
Genome position (GRCh38, 1-based): chrX:19,400,582, G>A on the plus strand (C>T on the coding strand, the complement: MAP3K15 is on the minus strand). VCF-style: chrX-19400582-G-A. GRCh37 (hg19) VCF-style: chrX-19418700-G-A.
Identifiers: ClinVar variation 3041213 (VCV003041213.2), dbSNP rs56177884, ClinGen allele CA10363925.

ClinVar aggregate classification (germline): Likely benign (0 of 4 stars; one submission).

Conditions:
MAP3K15-related disorder. Also called: MAP3K15-related condition.

Allele frequency attached by ClinVar (database versions not stated): ESP Exome Variant Server 0.00133; TOPMed 0.00139; 1000 Genomes Project 30x 0.00146; gnomAD 0.00152; 1000 Genomes Project 0.00159; ExAC 0.00183.
gnomAD v4.1: 3,143 of 1,193,405 alleles (0.26%); highest among the groups gnomAD compares: Non-Finnish European, 0.31%; 5 homozygotes.

Submission:

PreventionGenetics, part of Exact Sciences
Classification: Likely benign for MAP3K15-related condition. Last evaluated: 2019-05-08. Review status: no assertion criteria provided. Collection method: clinical testing. Allele origin: germline.
Comment: This variant is classified as likely benign based on ACMG/AMP sequence variant interpretation guidelines (Richards et al. 2015 PMID: 25741868, with internal and published modifications).